The following is an entry in ClinVar:

NM_005188.4(CBL):c.2609C>T (p.Ser870Phe)

Gene: CBL (Cbl proto-oncogene; plus strand). Cytogenetic location: 11q23.3.
Variant type: single nucleotide variant.
Coding change: c.2609C>T on transcript NM_005188.4 (MANE Select); coding-DNA position 2609, C replaced by T.
Protein change: p.Ser870Phe; replaces serine 870 with phenylalanine.
Molecular consequence: missense variant.
Genome position (GRCh38, 1-based): chr11:119,299,669, C>T. VCF-style: chr11-119299669-C-T. GRCh37 (hg19) VCF-style: chr11-119170379-C-T.
Other names: short protein forms S870F.
Identifiers: ClinVar variation 5033711 (VCV005033711.1).

ClinVar aggregate classification (germline): Uncertain significance (1 of 4 stars; one submission).

Conditions:
Cardiovascular phenotype. Identifiers: MedGen CN230736.

gnomAD v4.1: 1 of 1,614,196 alleles (0.000062%); highest among the groups gnomAD compares: Non-Finnish European, 0.000085%; no homozygotes.

Submission:

Ambry Genetics
Classification: Uncertain significance for Cardiovascular phenotype. Last evaluated: 2026-08-26. Review status: criteria provided, single submitter. Criteria: Ambry Variant Classification Scheme 2023. Collection method: clinical testing. Allele origin: germline.
Comment: The p.S870F variant (also known as c.2609C>T), located in coding exon 16 of the CBL gene, results from a C to T substitution at nucleotide position 2609. The serine at codon 870 is replaced by phenylalanine, an amino acid with highly dissimilar properties. This amino acid position is conserved. In addition, the in silico prediction for this alteration is inconclusive. Based on the available evidence, the clinical significance of this variant remains unclear.